The following is an entry in ClinVar:

NM_015981.4(CAMK2A):c.1331G>A (p.Arg444His)

Gene: CAMK2A (calcium/calmodulin dependent protein kinase II alpha; minus strand). Cytogenetic location: 5q32.
Variant type: single nucleotide variant.
Coding change: c.1331G>A on transcript NM_015981.4 (MANE Select); coding-DNA position 1331, G replaced by A.
Protein change: p.Arg444His; replaces arginine 444 with histidine.
Molecular consequence: missense variant.
Genome position (GRCh38, 1-based): chr5:150,223,124, C>T on the plus strand (G>A on the coding strand, the complement: CAMK2A is on the minus strand). VCF-style: chr5-150223124-C-T. GRCh37 (hg19) VCF-style: chr5-149602687-C-T.
Other names: c.1331G>A, p.Arg444His (NM_001363989.1); c.1298G>A, p.Arg433His (NM_001363990.1, NM_001369025.2, NM_171825.3); short protein forms R433H, R444H.
Identifiers: ClinVar variation 2655918 (VCV002655918.24), dbSNP rs754962340, ClinGen allele CA3509510.

ClinVar aggregate classification (germline): Uncertain significance (1 of 4 stars; one submission).

Allele frequency attached by ClinVar (database versions not stated): ExAC 0.00001.
gnomAD v4.1: 7 of 1,614,116 alleles (0.00043%); highest among the groups gnomAD compares: South Asian, 0.0033%; no homozygotes.

Submission:

CeGaT Center for Human Genetics Tuebingen
Classification: Uncertain significance. Last evaluated: 2022-11-01. Review status: criteria provided, single submitter. Criteria: CeGaT Center For Human Genetics Tuebingen Variant Classification Criteria Version 2. Collection method: clinical testing. Allele origin: germline. Affected: yes. Observed: 1 variant allele.
Comment: CAMK2A: PP2